The following is an entry in ClinVar:

ClinVar aggregate classification (germline): Uncertain significance (1 of 4 stars; one submission).

gnomAD v4.1: 8 of 1,613,710 alleles (0.0005%); highest among the groups gnomAD compares: African/African-American, 0.0013%; no homozygotes.

Submission:

Labcorp Genetics (formerly Invitae), Labcorp
Classification: Uncertain significance. Last evaluated: 2025-11-15. Review status: criteria provided, single submitter. Criteria: Invitae Variant Classification Sherloc (09022015). Collection method: clinical testing. Allele origin: germline.
Comment: This sequence change replaces glycine, which is neutral and non-polar, with valine, which is neutral and non-polar, at codon 345 of the SCNN1B protein (p.Gly345Val). This variant is not present in population databases (gnomAD no frequency). This variant has not been reported in the literature in individuals affected with SCNN1B-related conditions. Invitae Evidence Modeling of protein sequence and biophysical properties (such as structural, functional, and spatial information, amino acid conservation, physicochemical variation, residue mobility, and thermodynamic stability) indicates that this missense variant is not expected to disrupt SCNN1B protein function with a negative predictive value of 80%. In summary, the available evidence is currently insufficient to determine the role of this variant in disease. Therefore, it has been classified as a Variant of Uncertain Significance.

NM_000336.3(SCNN1B):c.1034G>T (p.Gly345Val)

Gene: SCNN1B (sodium channel epithelial 1 subunit beta; plus strand). Cytogenetic location: 16p12.2.
Variant type: single nucleotide variant.
Coding change: c.1034G>T on transcript NM_000336.3 (MANE Select); coding-DNA position 1034, G replaced by T.
Protein change: p.Gly345Val; replaces glycine 345 with valine.
Molecular consequence: missense variant.
Genome position (GRCh38, 1-based): chr16:23,371,452, G>T. VCF-style: chr16-23371452-G-T. GRCh37 (hg19) VCF-style: chr16-23382773-G-T.
Other names: c.1034G>T, p.Gly345Val (NM_001410900.1); short protein forms G345V.
Identifiers: ClinVar variation 4753316 (VCV004753316.1).